The following is an entry in ClinVar:

NM_032782.5(HAVCR2):c.461C>G (p.Thr154Ser)

Gene: HAVCR2 (hepatitis A virus cellular receptor 2; minus strand). Cytogenetic location: 5q33.3.
Variant type: single nucleotide variant.
Coding change: c.461C>G on transcript NM_032782.5 (MANE Select); coding-DNA position 461, C replaced by G.
Protein change: p.Thr154Ser; replaces threonine 154 with serine.
Molecular consequence: missense variant.
Genome position (GRCh38, 1-based): chr5:157,104,683, G>C on the plus strand (C>G on the coding strand, the complement: HAVCR2 is on the minus strand). VCF-style: chr5-157104683-G-C. GRCh37 (hg19) VCF-style: chr5-156531694-G-C.
Other names: p.Thr154Ser; c.461C>G (NM_032782.4); short protein forms T154S.
Identifiers: ClinVar variation 4541079 (VCV004541079.2).

ClinVar aggregate classification (germline): Conflicting classifications of pathogenicity. Review status: criteria provided, conflicting classifications (1 of 4 stars). 2 submissions from 2 submitters: Uncertain significance (1); Likely benign (1). Last evaluated 2026-03-12.

Conditions:
HAVCR2-related disorder. Also called: HAVCR2-related condition.

gnomAD v4.1: 2,772 of 1,603,402 alleles (0.17%); highest among the groups gnomAD compares: Non-Finnish European, 0.22%; 5 homozygotes.

Submissions (2):

PreventionGenetics, part of Exact Sciences
Classification: Likely benign for HAVCR2-related condition. Last evaluated: 2026-03-12. Review status: criteria provided, single submitter. Criteria: ACMG Guidelines, 2015. Collection method: clinical testing. Allele origin: germline.
Comment: This variant is classified as likely benign based on ACMG/AMP sequence variant interpretation guidelines (Richards et al. 2015 PMID: 25741868, with internal and published modifications).

Mayo Clinic Laboratories, Mayo Clinic
Classification: Uncertain significance. Last evaluated: 2025-03-24. Review status: criteria provided, single submitter. Criteria: ACMG Guidelines, 2015. Collection method: clinical testing. Allele origin: germline. Observed: 1 variant allele.
Comment: BP4_moderate